The following is an entry in ClinVar:

ClinVar aggregate classification (germline): Uncertain significance (1 of 4 stars; one submission).

Conditions:
Spinocerebellar ataxia 44. Identifiers: Orphanet 631095, MedGen C4521563, MONDO:0033479, OMIM 617691.

Allele frequency attached by ClinVar (database versions not stated): gnomAD exomes below 0.00001 and 0.00001; TOPMed below 0.00001; gnomAD 0.00001.
gnomAD v4.1: 5 of 1,612,762 alleles (0.00031%); highest among the groups gnomAD compares: South Asian, 0.0055%; no homozygotes.

Submission:

Diagnostics Services (NGS), CSIR - Centre For Cellular And Molecular Biology
Classification: Uncertain significance for Spinocerebellar ataxia 44. Last evaluated: 2021-10-14. Review status: criteria provided, single submitter. Criteria: ACMG Guidelines, 2015. Collection method: clinical testing. Allele origin: unknown. Inheritance: Autosomal dominant inheritance. Affected: yes. Observed: 1 variant allele, 1 heterozygote.
Comment: The c.3405C>G variant is not present in publicly available population databases like 1000 Genomes, Exome Variant Server (EVS) and Exome Aggregation Consortium (ExAC). The heterozygous state of the variant is present in Genome Aggregation Database (gnomAD) and dbSNP at a very low frequency. The variant is not present in Indian Exome Database and in our in-house exome database. The variant was not earlier reported to ClinVar, Human Genome Mutation Database (HGMD) or OMIM databases in any affected individuals. Predictions from different in-silico pathogenicity prediction programs like SIFT, Polyphen-2, MutationTaster2, CADD etc. are contradictory but these predictions have not been confirmed by published functional studies. Due to lack of enough evidence the variant has been classified as uncertain significance.

NM_001278064.2(GRM1):c.3405C>G (p.Ser1135Arg)

Gene: GRM1 (glutamate metabotropic receptor 1; plus strand). Cytogenetic location: 6q24.3.
Variant type: single nucleotide variant.
Coding change: c.3405C>G on transcript NM_001278064.2 (MANE Select); coding-DNA position 3405, C replaced by G.
Protein change: p.Ser1135Arg; replaces serine 1135 with arginine.
Molecular consequence: missense variant. On other transcripts: 3 prime UTR variant (3).
Genome position (GRCh38, 1-based): chr6:146,434,616, C>G. VCF-style: chr6-146434616-C-G. GRCh37 (hg19) VCF-style: chr6-146755752-C-G.
Other names: c.*769C>G (NM_001278065.2); c.*734C>G (NM_001278066.1); c.*643C>G (NM_001278067.1); short protein forms S1135R.
Identifiers: ClinVar variation 1329473 (VCV001329473.3), dbSNP rs1188689970, ClinGen allele CA366193672.